The following is an entry in ClinVar:

ClinVar aggregate classification (germline): Likely benign (1 of 4 stars; one submission).

Allele frequency attached by ClinVar (database versions not stated): gnomAD exomes 0.00001; TOPMed 0.00003; ExAC 0.00004.
gnomAD v4.1: 9 of 1,607,566 alleles (0.00056%); highest among the groups gnomAD compares: East Asian, 0.013%; no homozygotes.

Submission:

CeGaT Center for Human Genetics Tuebingen
Classification: Likely benign. Last evaluated: 2023-12-01. Review status: criteria provided, single submitter. Criteria: CeGaT Center For Human Genetics Tuebingen Variant Classification Criteria Version 2. Collection method: clinical testing. Allele origin: germline. Affected: yes. Observed: 1 variant allele.
Comment: ANKRD11: BP4, BP7

NM_013275.6(ANKRD11):c.6324C>T (p.Gly2108=)

Gene: ANKRD11 (ankyrin repeat domain 11; minus strand). Cytogenetic location: 16q24.3.
Variant type: single nucleotide variant.
Coding change: c.6324C>T on transcript NM_013275.6 (MANE Select); coding-DNA position 6324, C replaced by T.
Protein change: p.Gly2108=; no amino-acid change (glycine 2108 retained).
Molecular consequence: synonymous variant.
Genome position (GRCh38, 1-based): chr16:89,280,218, G>A on the plus strand (C>T on the coding strand, the complement: ANKRD11 is on the minus strand). VCF-style: chr16-89280218-G-A. GRCh37 (hg19) VCF-style: chr16-89346626-G-A.
Other names: c.6324C>T, p.Gly2108= (NM_001256182.2, NM_001256183.2).
Identifiers: ClinVar variation 3026690 (VCV003026690.22), dbSNP rs765982650, ClinGen allele CA8241496.